The following is an entry in ClinVar:

ClinVar aggregate classification (germline): Uncertain significance. Review status: criteria provided, single submitter (1 of 4 stars). 2 submissions from 1 submitter: Uncertain significance (1). 1 of the submissions does not count toward it. Last evaluated 2017-03-16.

Conditions:
Inborn genetic diseases. Identifiers: MedGen C0950123, MeSH D030342.

Submissions (2):

Ambry Genetics
Classification: Uncertain significance for Hereditary disease. Last evaluated: 2017-03-16. Review status: criteria provided, single submitter. Criteria: ambry_reporting_categories_2017. Collection method: clinical testing. Allele origin: germline. Affected: yes. Observed: 1 heterozygote. Segregation with disease observed.
Comment: Lines of evidence used in support of classification: UNCERTAIN: Alteration(s) of Uncertain Clinical Significance Detected

Ambry Genetics
Classification: Uncertain significance for Inborn genetic diseases. Last evaluated: 2017-05-08. Review status: flagged submission. Criteria: Ambry Variant Classification Scheme 2023. Collection method: clinical testing. Allele origin: germline. Not counted in ClinVar's aggregate classification.
Comment: The c.4103_4104delinsAG variant, also known as p.T1368K, is located in coding exon 18 of the POGZ gene, results from an in-frame deletion of CT and insertion of AG at nucleotide positions 4103 to 4104. This results in the substitution of the threonine residue for a lysine residue at codon 1368, an amino acid with similar properties. This amino acid positions are not well conserved in available vertebrate species. Since supporting evidence is limited at this time, the clinical significance of this alteration remains unclear.
ClinVar note: Reason: This record appears to be redundant with a more recent record from the same submitter.
ClinVar note: Notes: SCV000848723 appears to be redundant with SCV000742122.

Literature cited by the submitters: PubMed 24267886; PubMed 22542183; PubMed 22495311; PubMed 24463507; PubMed 24896178; PubMed 23375656; PubMed 25533962; PubMed 25694107; PubMed 26739615; PubMed 26942287; PubMed 27148570; PubMed 9862965; PubMed 28480548.

NM_015100.4(POGZ):c.4103_4104inv (p.Thr1368Lys)

Gene: POGZ (pogo transposable element derived with ZNF domain; minus strand). Cytogenetic location: 1q21.3.
Variant type: Inversion.
Coding change: c.4103_4104inv on transcript NM_015100.4 (MANE Select).
Protein change: p.Thr1368Lys; replaces threonine 1368 with lysine.
Molecular consequence: missense variant.
Genome position: GRCh38 VCF-style: chr1-151404931-AG-CT. GRCh37 (hg19) VCF-style: chr1-151377407-AG-CT.
Other names: c.4076_4077inv, p.Thr1359Lys (NM_001194937.2); c.3917_3918inv, p.Thr1306Lys (NM_001194938.2); c.3818_3819inv, p.Thr1273Lys (NM_145796.4); c.3944_3945inv, p.Thr1315Lys (NM_207171.2); short protein forms T1306K, T1315K, T1368K, T1273K, T1359K.
Identifiers: ClinVar variation 521502 (VCV000521502.7), ClinGen allele CA658795512.